The following is an entry in ClinVar:

ClinVar aggregate classification (germline): Uncertain significance (1 of 4 stars; one submission).

Submission:

GeneDx
Classification: Uncertain significance. Last evaluated: 2024-03-08. Review status: criteria provided, single submitter. Criteria: GeneDx Variant Classification Process June 2021. Collection method: clinical testing. Allele origin: germline. Affected: yes.
Comment: Not observed at significant frequency in large population cohorts (gnomAD); In silico analysis supports that this missense variant does not alter protein structure/function; Has not been previously published as pathogenic or benign to our knowledge

NM_000051.4(ATM):c.5074A>C (p.Lys1692Gln)

Gene: ATM (ATM serine/threonine kinase; plus strand). Cytogenetic location: 11q22.3.
Variant type: single nucleotide variant.
Coding change: c.5074A>C on transcript NM_000051.4 (MANE Select); coding-DNA position 5074, A replaced by C.
Protein change: p.Lys1692Gln; replaces lysine 1692 with glutamine.
Molecular consequence: missense variant.
Genome position (GRCh38, 1-based): chr11:108,299,782, A>C. VCF-style: chr11-108299782-A-C. GRCh37 (hg19) VCF-style: chr11-108170509-A-C.
Other names: c.5074A>C, p.Lys1692Gln (NM_001351834.2); short protein forms K1692Q.
Identifiers: ClinVar variation 3370790 (VCV003370790.1).